The following is an entry in ClinVar:

NM_022367.4(SEMA4A):c.127A>G (p.Arg43Gly)

Gene: SEMA4A (semaphorin 4A; plus strand). Cytogenetic location: 1q22.
Variant type: single nucleotide variant.
Coding change: c.127A>G on transcript NM_022367.4 (MANE Select); coding-DNA position 127, A replaced by G.
Protein change: p.Arg43Gly; replaces arginine 43 with glycine.
Molecular consequence: missense variant. On other transcripts: 5 prime UTR variant (1), intron variant (3).
Genome position (GRCh38, 1-based): chr1:156,154,705, A>G. VCF-style: chr1-156154705-A-G. GRCh37 (hg19) VCF-style: chr1-156124496-A-G.
Other names: c.127A>G, p.Arg43Gly (NM_001193300.2, NM_001193301.2, NM_001370567.1); c.-398A>G (NM_001370571.1); c.-385-1709A>G (NM_001370569.1); c.-158-1709A>G (NM_001370568.1); c.-159+941A>G (NM_001193302.2); short protein forms R43G.
Identifiers: ClinVar variation 1955193 (VCV001955193.5), dbSNP rs1641788827, ClinGen allele CA342834156.
Genomic context (GRCh38, chr1:156,154,705, plus strand): 5'-CAGCTGCTGCTGCCGACGACGACCGCGGGGGGAGGCGGGCAGGGGCCCATGCCCAGGGTC[A>G]GATACTATGCAGGTAAGTGTCCGACAGCAGGAAGTGTGGGGATAGCAATAGAGAGCTGGA-3'
Protein context (NP_071762.2, residues 33-53): GGGQGPMPRV[Arg43Gly]YYAGDERRAL

ClinVar aggregate classification (germline): Uncertain significance (1 of 4 stars; one submission).

Allele frequency attached by ClinVar (database versions not stated): TOPMed below 0.00001.
gnomAD v4.1: 1 of 1,585,214 alleles (0.000063%); highest among the groups gnomAD compares: Non-Finnish European, 0.000086%; no homozygotes.

Submission:

Labcorp Genetics (formerly Invitae), Labcorp
Classification: Uncertain significance. Last evaluated: 2022-07-14. Review status: criteria provided, single submitter. Criteria: Invitae Variant Classification Sherloc (09022015). Collection method: clinical testing. Allele origin: germline.
Comment: This variant has not been reported in the literature in individuals affected with SEMA4A-related conditions. This variant is not present in population databases (gnomAD no frequency). This sequence change replaces arginine, which is basic and polar, with glycine, which is neutral and non-polar, at codon 43 of the SEMA4A protein (p.Arg43Gly). Algorithms developed to predict the effect of missense changes on protein structure and function (SIFT, PolyPhen-2, Align-GVGD) all suggest that this variant is likely to be tolerated. In summary, the available evidence is currently insufficient to determine the role of this variant in disease. Therefore, it has been classified as a Variant of Uncertain Significance.